The following is an entry in ClinVar:

ClinVar aggregate classification (germline): Likely pathogenic (1 of 4 stars; one submission).

Conditions:
Stromme syndrome (STROMS). Also called: APPLE PEEL SYNDROME WITH MICROCEPHALY AND OCULAR ANOMALIES; Strømme Syndrome; Ciliary dyskinesia, primary, 31. Identifiers: Orphanet 444069, Orphanet 506307, MedGen C1855705, MONDO:0009477, OMIM 243605.

gnomAD v4.1: 1 of 1,591,718 alleles (0.000063%); highest among the groups gnomAD compares: Non-Finnish European, 0.000085%; no homozygotes.

Submission:

Juno Genomics, Hangzhou Juno Genomics, Inc
Classification: Likely pathogenic for Stromme syndrome. Review status: criteria provided, single submitter. Criteria: ACMG Guidelines, 2015. Collection method: clinical testing. Allele origin: germline.
Comment: Null variant in a gene where loss of function (LOF) is a known mechanism of disease.;Absent from controls (or at extremely low frequency if recessive) in Genome Aggregation Database.

NM_016343.4(CENPF):c.3577C>T (p.Gln1193Ter)

Gene: CENPF (centromere protein F; plus strand). Cytogenetic location: 1q41.
Variant type: single nucleotide variant.
Coding change: c.3577C>T on transcript NM_016343.4 (MANE Select); coding-DNA position 3577, C replaced by T.
Protein change: p.Gln1193Ter; replaces glutamine 1193 with a stop codon.
Molecular consequence: nonsense.
Genome position (GRCh38, 1-based): chr1:214,641,915, C>T. VCF-style: chr1-214641915-C-T. GRCh37 (hg19) VCF-style: chr1-214815258-C-T.
Other names: short protein forms Q1193*.
Identifiers: ClinVar variation 5005716 (VCV005005716.2).
Genomic context (GRCh38, chr1:214,641,915, plus strand): 5'-CCAATTAGGAACTCTGTGAAAGAAAGAGAGAGTGAGAGAAATCAATGTAATTTTAAACCT[C>T]AGATGGATCTTGAAGTTAAAGAAATTTCTCTAGATAGTTATAATGCGCAGTTGGTGCAAT-3'